The following is an entry in ClinVar:

ClinVar aggregate classification (germline): Pathogenic (1 of 4 stars; one submission).

Conditions:
Osteogenesis imperfecta type I (OI1). Also called: Lobstein disease; Classic Non-deforming Osteogenesis Imperfecta with Blue Sclerae; OI, TYPE I; OSTEOGENESIS IMPERFECTA TARDA; OSTEOGENESIS IMPERFECTA WITH BLUE SCLERAE; Osteogenesis imperfecta type 1. Identifiers: Orphanet 216796, Orphanet 666, MedGen C0023931, MONDO:0008146, OMIM 166200. Disease mechanism: loss of function.

Submission:

Labcorp Genetics (formerly Invitae), Labcorp
Classification: Pathogenic for Osteogenesis imperfecta type I. Last evaluated: 2022-12-01. Review status: criteria provided, single submitter. Criteria: Invitae Variant Classification Sherloc (09022015). Collection method: clinical testing. Allele origin: germline.
Comment: This variant has not been reported in the literature in individuals affected with COL1A1-related conditions. This variant is not present in population databases (gnomAD no frequency). This sequence change creates a premature translational stop signal (p.Ile60Serfs*14) in the COL1A1 gene. It is expected to result in an absent or disrupted protein product. Loss-of-function variants in COL1A1 are known to be pathogenic (PMID: 7942841, 9295084, 9443882). For these reasons, this variant has been classified as Pathogenic.

Literature cited by the submitters: PubMed 7942841; PubMed 9295084; PubMed 9443882.

NM_000088.4(COL1A1):c.177del (p.Ile60fs)

Gene: COL1A1 (collagen type I alpha 1 chain; minus strand). Cytogenetic location: 17q21.33.
Variant type: Deletion.
Coding change: c.177del on transcript NM_000088.4 (MANE Select); coding-DNA position 177, one base deleted (G; older notation c.177delG).
Protein change: p.Ile60fs; shifts the reading frame from isoleucine 60.
Molecular consequence: frameshift variant.
Genome position (GRCh38, 1-based): chr17:50,199,874, C deleted on the plus strand (G on the coding strand, the reverse complement: COL1A1 is on the minus strand); the first of 2 consecutive C bases (chr17:50,199,874-50,199,875); deleting either gives the same sequence. VCF-style (leftmost placement, unchanged base first): chr17-50199873-TC-T. GRCh37 (hg19) VCF-style: chr17-48277234-TC-T.
Other names: short protein forms I60fs.
Identifiers: ClinVar variation 2807699 (VCV002807699.3), dbSNP rs2509259098, ClinGen allele CA2739268239.